The following is an entry in ClinVar:

ClinVar aggregate classification (germline): Pathogenic (1 of 4 stars; one submission).

Conditions:
Rhabdoid tumor predisposition syndrome 2 (RTPS2). Identifiers: Orphanet 231108, Orphanet 69077, MedGen C2750074, MONDO:0013224, OMIM 613325.

Submission:

Labcorp Genetics (formerly Invitae), Labcorp
Classification: Pathogenic for Rhabdoid tumor predisposition syndrome 2. Last evaluated: 2019-03-15. Review status: criteria provided, single submitter. Criteria: Invitae Variant Classification Sherloc (09022015). Collection method: clinical testing. Allele origin: germline.
Comment: For these reasons, this variant has been classified as Pathogenic. Loss-of-function variants in SMARCA4 are known to be pathogenic (PMID: 24658001, 24658002). This variant has not been reported in the literature in individuals with SMARCA4-related conditions. This variant is not present in population databases (ExAC no frequency). This sequence change creates a premature translational stop signal (p.Glu523*) in the SMARCA4 gene. It is expected to result in an absent or disrupted protein product.

Literature cited by the submitters: PubMed 24658001; PubMed 24658002.

NM_003072.5(SMARCA4):c.1567G>T (p.Glu523Ter)

Gene: SMARCA4 (SWI/SNF related BAF chromatin remodeling complex subunit ATPase 4; plus strand). Cytogenetic location: 19p13.2.
Variant type: single nucleotide variant.
Coding change: c.1567G>T on transcript NM_003072.5 (MANE Select); coding-DNA position 1567, G replaced by T.
Protein change: p.Glu523Ter; replaces glutamic acid 523 with a stop codon.
Molecular consequence: nonsense. On other transcripts: non-coding transcript variant (1).
Genome position (GRCh38, 1-based): chr19:10,994,975, G>T. VCF-style: chr19-10994975-G-T. GRCh37 (hg19) VCF-style: chr19-11105651-G-T.
Other names: c.1567G>T, p.Glu523Ter (NM_001128844.3, NM_001128845.2, NM_001128846.2 and 4 more transcripts); short protein forms E523*.
Identifiers: ClinVar variation 861178 (VCV000861178.7), dbSNP rs2086888561, ClinGen allele CA404062282.